The following is an entry in ClinVar:

NM_001366145.2(TRPM3):c.618G>A (p.Gly206=)

Gene: TRPM3 (transient receptor potential cation channel subfamily M member 3; minus strand). Cytogenetic location: 9q21.12.
Variant type: single nucleotide variant.
Coding change: c.618G>A on transcript NM_001366145.2 (MANE Select); coding-DNA position 618, G replaced by A.
Protein change: p.Gly206=; no amino-acid change (glycine 206 retained).
Molecular consequence: synonymous variant.
Genome position (GRCh38, 1-based): chr9:70,846,436, C>T on the plus strand (G>A on the coding strand, the complement: TRPM3 is on the minus strand). VCF-style: chr9-70846436-C-T. GRCh37 (hg19) VCF-style: chr9-73461352-C-T.
Other names: c.159G>A, p.Gly53= (NM_001007470.3, NM_001366154.2, NM_020952.6 and 6 more transcripts); c.618G>A, p.Gly206= (NM_001007471.4, NM_001366146.2, NM_001366147.2 and 6 more transcripts); c.624G>A, p.Gly208= (NM_001366141.2, NM_001366142.2, NM_001366143.2 and 1 more transcripts).
Identifiers: ClinVar variation 3058722 (VCV003058722.2), dbSNP rs567125463, ClinGen allele CA5078937.

ClinVar aggregate classification (germline): Likely benign (0 of 4 stars; one submission).

Conditions:
TRPM3-related disorder. Also called: TRPM3-related condition.

Allele frequency attached by ClinVar (database versions not stated): ExAC 0.00003; gnomAD exomes 0.00004; gnomAD 0.00005; TOPMed 0.00006.
gnomAD v4.1: 73 of 1,614,012 alleles (0.0045%); highest among the groups gnomAD compares: Middle Eastern, 0.016%; no homozygotes.

Submission:

PreventionGenetics, part of Exact Sciences
Classification: Likely benign for TRPM3-related condition. Last evaluated: 2019-03-25. Review status: no assertion criteria provided. Collection method: clinical testing. Allele origin: germline.
Comment: This variant is classified as likely benign based on ACMG/AMP sequence variant interpretation guidelines (Richards et al. 2015 PMID: 25741868, with internal and published modifications).